The following is an entry in ClinVar:

ClinVar aggregate classification (germline): Likely pathogenic (0 of 4 stars; one submission).

Conditions:
PPP1R12A-related disorder. Also called: PPP1R12A-related condition.

Submission:

PreventionGenetics, part of Exact Sciences
Classification: Likely pathogenic for PPP1R12A-related condition. Last evaluated: 2024-03-18. Review status: no assertion criteria provided. Collection method: clinical testing. Allele origin: germline.
Comment: The PPP1R12A c.2307T>A variant is predicted to result in premature protein termination (p.Tyr769*). To our knowledge, this variant has not been reported in the literature or in a large population database, indicating this variant is rare. Nonsense variants in PPP1R12A are expected to be pathogenic. This variant is interpreted as likely pathogenic.

NM_002480.3(PPP1R12A):c.2307T>A (p.Tyr769Ter)

Gene: PPP1R12A (protein phosphatase 1 regulatory subunit 12A; minus strand). Cytogenetic location: 12q21.2.
Variant type: single nucleotide variant.
Coding change: c.2307T>A on transcript NM_002480.3 (MANE Select); coding-DNA position 2307, T replaced by A.
Protein change: p.Tyr769Ter; replaces tyrosine 769 with a stop codon.
Molecular consequence: nonsense.
Genome position (GRCh38, 1-based): chr12:79,796,936, A>T on the plus strand (T>A on the coding strand, the complement: PPP1R12A is on the minus strand). VCF-style: chr12-79796936-A-T. GRCh37 (hg19) VCF-style: chr12-80190716-A-T.
Other names: c.2307T>A, p.Tyr769Ter (NM_001143885.2, NM_001244990.2); c.2046T>A, p.Tyr682Ter (NM_001143886.2); c.2139T>A, p.Tyr713Ter (NM_001244992.1); short protein forms Y682*, Y713*, Y769*.
Identifiers: ClinVar variation 3350080 (VCV003350080.1).
Genomic context (GRCh38, chr12:79,796,936, plus strand): 5'-ACTGCTCATAGTAGAAAGTGAAGAGGATGGAGTGGTTGAACTTGAAGTTGATACTGGCCT[A>T]TAACGCTGGTAAGTCTGTGAAACATTAAGATCAAAACCCATTTGAAACATTAAACACAAT-3'